The following is an entry in ClinVar:

ClinVar aggregate classification (germline): Pathogenic (1 of 4 stars; one submission).

Submission:

GeneDx
Classification: Pathogenic. Last evaluated: 2021-11-23. Review status: criteria provided, single submitter. Criteria: GeneDx Variant Classification Process June 2021. Collection method: clinical testing. Allele origin: germline. Affected: yes.
Comment: Frameshift variant predicted to result in protein truncation or nonsense mediated decay in a gene for which loss-of-function is a known mechanism of disease; Not observed at significant frequency in large population cohorts (Lek et al., 2016); Has not been previously published as pathogenic or benign to our knowledge

NM_001399.5(EDA):c.390del (p.His131fs)

Gene: EDA (ectodysplasin A; plus strand). Cytogenetic location: Xq13.1.
Variant type: Deletion.
Coding change: c.390del on transcript NM_001399.5 (MANE Select); coding-DNA position 390, one base deleted (G; older notation c.390delG).
Protein change: p.His131fs; shifts the reading frame from histidine 131.
Molecular consequence: frameshift variant.
Genome position (GRCh38, 1-based): chrX:69,616,698, G deleted; the last of 3 consecutive G bases (chrX:69,616,696-69,616,698); deleting any one gives the same sequence. VCF-style (leftmost placement, unchanged base first): chrX-69616695-CG-C. GRCh37 (hg19) VCF-style: chrX-68836539-CG-C.
Other names: c.390del, p.His131fs (NM_001005609.2, NM_001005610.4, NM_001005612.3 and 1 more transcripts); c.390delG (NM_001399.4); short protein forms H131fs.
Identifiers: ClinVar variation 504227 (VCV000504227.3), dbSNP rs1555972137, ClinGen allele CA658799769.
Genomic context (GRCh38, chrX:69,616,695, plus strand): 5'-GTCACCTAAGCAGCAGCCATTGGAACCGGGAGAAGCCGCACTCCACTCTGACTCCCAGGA[CG>C]GGCACCAGGTGAGTCACCTAGTAGGGGCGGCGGCGGCCCCCTCCCCTCGCGGGTAGGGCG-3'